The following is an entry in ClinVar:

ClinVar aggregate classification (germline): Conflicting classifications of pathogenicity. Review status: criteria provided, conflicting classifications (1 of 4 stars). 8 submissions from 8 submitters: Uncertain significance (2); Benign (1); Likely benign (5). Last evaluated 2026-04-01.

Conditions:
Primary ciliary dyskinesia. Also called: Ciliary dyskinesia. Identifiers: Orphanet 244, MedGen C0008780, MONDO:0016575, HP:0012265.
Immunodeficiency due to MASP-2 deficiency. Also called: MASP2 deficiency; LECTIN COMPLEMENT ACTIVATION PATHWAY, DEFECT IN, 2. Identifiers: Orphanet 331187, MedGen C3151085, MONDO:0013423, OMIM 613791.

Allele frequency attached by ClinVar (database versions not stated): 1000 Genomes Project 30x 0.00281; 1000 Genomes Project 0.00319; gnomAD 0.00546 and 0.00558; TOPMed 0.00552; gnomAD exomes 0.00597 and 0.00841; ExAC 0.00657; ESP Exome Variant Server 0.00746.
gnomAD v4.1: 13,124 of 1,612,448 alleles (0.81%); highest among the groups gnomAD compares: Non-Finnish European, 0.96%; 67 homozygotes.

Submissions (8):

Department of Human Genetics, Hannover Medical School
Classification: Uncertain significance for Primary Ciliary Dyskinesia. Last evaluated: 2026-04-01. Review status: criteria provided, single submitter. Criteria: ACMG Guidelines, 2015. Collection method: research. Allele origin: germline. Affected: no.
Comment: Classification performed by HerediClassify using the following criteria:['PP3_protein_strong: Variant is predicted to be pathogenic by REVEL with evidence strength strong.']

Women's Health and Genetics/Laboratory Corporation of America, LabCorp
Classification: Likely benign. Last evaluated: 2026-01-22. Review status: criteria provided, single submitter. Criteria: LabCorp Variant Classification Summary - May 2015. Collection method: clinical testing. Allele origin: germline.
Comment: Variant summary: MASP2 c.467G>A (p.Cys156Tyr) results in a non-conservative amino acid change in the encoded protein sequence. Algorithms developed to predict the effect of missense changes on protein structure and function all suggest that this variant is likely to be disruptive. The variant allele was found at a frequency of 0.006 in 248664 control chromosomes, predominantly at a frequency of 0.0091 within the Non-Finnish European subpopulation in the gnomAD database, including 6 homozygotes. The observed variant frequency within Non-Finnish European control individuals in the gnomAD database exceeds the estimated maximal expected allele frequency for disease-causing variants in MASP2. To our knowledge, c.467G>A has not been observed in individual(s) affected with Immunodeficiency due to MASP-2 deficiency and no experimental evidence demonstrating an impact on protein function have been reported. ClinVar contains an entry for this variant (Variation ID: 291802). Based on the evidence outlined above, the variant was classified as likely benign.

CeGaT Center for Human Genetics Tuebingen
Classification: Likely benign. Last evaluated: 2022-12-01. Review status: criteria provided, single submitter. Criteria: CeGaT Center For Human Genetics Tuebingen Variant Classification Criteria Version 2. Collection method: clinical testing. Allele origin: germline. Affected: yes. Observed: 2 variant alleles.
Comment: MASP2: BS2

Labcorp Genetics (formerly Invitae), Labcorp
Classification: Likely benign. Last evaluated: 2019-12-31. Review status: criteria provided, single submitter. Criteria: Invitae Variant Classification Sherloc (09022015). Collection method: clinical testing. Allele origin: germline.

Illumina Laboratory Services, Illumina
Classification: Likely benign for Immunodeficiency due to MASP-2 deficiency. Last evaluated: 2018-01-13. Review status: criteria provided, single submitter. Criteria: ICSL Variant Classification Criteria 13 December 2019. Collection method: clinical testing. Allele origin: germline.
Comment: This variant was observed in the ICSL laboratory as part of a predisposition screen in an ostensibly healthy population. It had not been previously curated by ICSL or reported in the Human Gene Mutation Database (HGMD: prior to June 1st, 2018), and was therefore a candidate for classification through an automated scoring system. Utilizing variant allele frequency, disease prevalence and penetrance estimates, and inheritance mode, an automated score was calculated to assess if this variant is too frequent to cause the disease. Based on the score and internal cut-off values, a variant classified as likely benign is not then subjected to further curation. The score for this variant resulted in a classification of likely benign for this disease.

Laboratory for Molecular Medicine, Mass General Brigham Personalized Medicine
Classification: Benign. Last evaluated: 2016-03-29. Review status: criteria provided, single submitter. Criteria: LMM Criteria. Collection method: clinical testing. Allele origin: germline.
Comment: Variant identified in a genome or exome case(s) and assessed due to predicted null impact of the variant or pathogenic assertions in the literature or databases. Disclaimer: This variant has not undergone full assessment. The following are preliminary notes: Variant detected in unspecified number of cases with atypical hemolytic uremic syndrome (Bu 2014). MAF 1.2%.

Breakthrough Genomics
Classification: Likely benign. Review status: criteria provided, single submitter. Criteria: ACMG Guidelines, 2015. Collection method: not provided. Allele origin: germline. Inheritance: Autosomal recessive inheritance. Affected: yes.

Neuberg Centre For Genomic Medicine, NCGM
Classification: Uncertain significance for Immunodeficiency due to MASP-2 deficiency. Review status: criteria provided, single submitter. Criteria: ACMG Guidelines, 2015. Collection method: clinical testing. Allele origin: germline. Inheritance: Autosomal recessive inheritance. Affected: yes.
Comment: The missense variant p.C156Y in MASP2 (NM_006610.4) has not been reported previously as a pathogenic variant nor as a benign variant, to our knowledge. The p.C156Y variant has a GnomAD frequency of 0.5878 %. There is a large physicochemical difference between cysteine and tyrosine, which is likely to impact secondary protein structure as these residues differ in polarity, charge, size and/or other properties. The p.C156Y missense variant is predicted to be damaging by both SIFT and PolyPhen2. The cysteine residue at codon 156 of MASP2 is conserved in all mammalian species. The nucleotide c.467 in MASP2 is predicted conserved by GERP++ and PhyloP across 100 vertebrates. For these reasons, this variant has been classified as Uncertain Significance.

Literature cited by the submitters: PubMed 24029428 (cited by Women's Health and Genetics/Laboratory Corporation of America, LabCorp); PubMed 28939980 (cited by Women's Health and Genetics/Laboratory Corporation of America, LabCorp); PubMed 36053979 (cited by Women's Health and Genetics/Laboratory Corporation of America, LabCorp).

NM_006610.4(MASP2):c.467G>A (p.Cys156Tyr)

Gene: MASP2 (MBL associated serine protease 2; minus strand). Cytogenetic location: 1p36.22.
Variant type: single nucleotide variant.
Coding change: c.467G>A on transcript NM_006610.4 (MANE Select); coding-DNA position 467, G replaced by A.
Protein change: p.Cys156Tyr; replaces cysteine 156 with tyrosine.
Molecular consequence: missense variant.
Genome position (GRCh38, 1-based): chr1:11,045,485, C>T on the plus strand (G>A on the coding strand, the complement: MASP2 is on the minus strand). VCF-style: chr1-11045485-C-T. GRCh37 (hg19) VCF-style: chr1-11105542-C-T.
Other names: c.467G>A, p.Cys156Tyr (NM_139208.3); short protein forms C156Y.
Identifiers: ClinVar variation 291802 (VCV000291802.39), dbSNP rs41307788, ClinGen allele CA587099.
Genomic context (GRCh38, chr1:11,045,485, plus strand): 5'-TTACGGTGCAGGACGTAGCCTGCGCGGCAGGAGCAGTAGAAACCGCCCAGGTGGTTGTGG[C>T]AGTGGTGGTCGCAGGTGGGCGCCTCTCCCGGGGCCACCTGGCACTCGTCAATGTCTGGGG-3'
Protein context (NP_006601.2, residues 146-166): PGEAPTCDHH[Cys156Tyr]HNHLGGFYCS